The following is an entry in ClinVar:

NM_025114.4(CEP290):c.516+1G>A

Gene: CEP290 (centrosomal protein 290; minus strand). Cytogenetic location: 12q21.32.
Variant type: single nucleotide variant.
Coding change: c.516+1G>A on transcript NM_025114.4 (MANE Select); the canonical splice donor site of the intron after coding-DNA position 516, G replaced by A.
Molecular consequence: splice donor variant.
Genome position (GRCh38, 1-based): chr12:88,130,544, C>T on the plus strand (G>A on the coding strand, the complement: CEP290 is on the minus strand). VCF-style: chr12-88130544-C-T. GRCh37 (hg19) VCF-style: chr12-88524321-C-T.
Other names: c.516+1G>A (NM_025114.3).
Identifiers: ClinVar variation 2944126 (VCV002944126.7), dbSNP rs779409629, ClinGen allele CA6712765.

ClinVar aggregate classification (germline): Conflicting classifications of pathogenicity. Review status: criteria provided, conflicting classifications (1 of 4 stars). 5 submissions from 5 submitters: Likely pathogenic (3); Uncertain significance (1). 1 of the submissions does not count toward it. Last evaluated 2025-08-04.

Conditions:
CEP290-related disorder. Also called: CEP290-related disorders; CEP290-related condition. Identifiers: MedGen CN239314.
Leber congenital amaurosis 10 (LCA10). Identifiers: Orphanet 65, MedGen C1857821, MONDO:0012723, OMIM 611755.
Senior-Loken syndrome 6 (SLSN6). Identifiers: Orphanet 3156, MedGen C1857779, MONDO:0012433, OMIM 610189.
Joubert syndrome 5 (JBTS5). Identifiers: Orphanet 2318, MedGen C1857780, MONDO:0012432, OMIM 610188.
Bardet-Biedl syndrome 14 (BBS14). Identifiers: Orphanet 110, MedGen C2673874, MONDO:0014442, OMIM 615991.
Meckel syndrome, type 4 (MKS4). Also called: MECKEL-GRUBER SYNDROME, TYPE 4. Identifiers: Orphanet 564, MedGen C1970161, MONDO:0012626, OMIM 611134.
CEP290-related ciliopathy. Also called: CEP290 ciliopathy. Identifiers: MedGen CN305601, MONDO:0100451.
Meckel-Gruber syndrome. Also called: Dysencephalia splachnocystica; DYSENCEPHALIA SPLANCHNOCYSTICA; GRUBER SYNDROME. Identifiers: Orphanet 564, MedGen C0265215, MONDO:0018921.
Joubert syndrome. Also called: Familial aplasia of the vermis; JOUBERT-BOLTSHAUSER SYNDROME. Identifiers: Orphanet 475, MedGen C5979921, MONDO:0018772.
Nephronophthisis. Also called: Juvenile Nephronophthisis. Identifiers: Orphanet 655, MedGen C0687120, MONDO:0019005, HP:0000090.

Allele frequency attached by ClinVar (database versions not stated): gnomAD exomes 0.00001; TOPMed 0.00011.
gnomAD v4.1: 13 of 1,594,278 alleles (0.00082%); highest among the groups gnomAD compares: Non-Finnish European, 0.00026%; no homozygotes.

Submissions (5):

Myriad Genetics, Inc.
Classification: Uncertain significance for CEP290-related ciliopathy. Last evaluated: 2025-08-04. Review status: criteria provided, single submitter. Criteria: Myriad Autosomal Dominant, Autosomal Recessive and X-Linked Classification Criteria (2023). Collection method: clinical testing. Allele origin: unknown.
Comment: NM_025114.3(CEP290):c.516+1G>A is a variant in a canonical splice site classified as a variant of uncertain significance in the context of CEP290-related disorders. c.516+1G>A has not been observed in cases with relevant disease. Relevant functional assessments of this variant are not available in the literature. c.516+1G>A has not been observed in referenced population frequency databases. In summary, there is insufficient evidence to classify NM_025114.3(CEP290):c.516+1G>A as pathogenic or benign. Please note: this variant was assessed in the context of healthy population screening.

Women's Health and Genetics/Laboratory Corporation of America, LabCorp
Classification: Likely pathogenic for Meckel syndrome, type 4. Last evaluated: 2025-03-19. Review status: criteria provided, single submitter. Criteria: LabCorp Variant Classification Summary - May 2015. Collection method: clinical testing. Allele origin: germline.
Comment: Variant summary: CEP290 c.516+1G>A is located in a canonical splice-site and is predicted to affect mRNA splicing resulting in a significantly altered protein due to either exon skipping, shortening, or inclusion of intronic material. Variants that disrupt the consensus splice site are a relatively common cause of aberrant splicing and loss of CEP290 function. Several computational tools predict a significant impact on normal splicing: three predict the variant abolishes a 5' splicing donor site (which is neighboring a small, symmetric exon). However, these predictions have yet to be confirmed by functional studies. The variant allele was found at a frequency of 8.2e-06 in 1594278 control chromosomes, predominantly at a frequency of 0.011 within the Amish subpopulation (i.e. 10 / 912 alleles) in the gnomAD database (v4.1 dataset), and this frequency is higher than the estimated maximum expected for a pathogenic variant in CEP290 causing Meckel Syndrome Type 4 (0.0011). To our knowledge, no occurrence of c.516+1G>A in individuals affected with Meckel Syndrome Type 4 and no experimental evidence demonstrating its impact on protein function have been reported. ClinVar contains an entry for this variant (Variation ID: 2944126). Based on the evidence outlined above, the variant was classified as likely pathogenic.

Fulgent Genetics
Classification: Likely pathogenic for Joubert syndrome 5; Senior-Loken syndrome 6; Meckel syndrome, type 4; Leber congenital amaurosis 10; Bardet-Biedl syndrome 14. Last evaluated: 2023-12-21. Review status: criteria provided, single submitter. Criteria: ACMG Guidelines, 2015. Collection method: clinical testing. Allele origin: germline.

Labcorp Genetics (formerly Invitae), Labcorp
Classification: Likely pathogenic for Joubert syndrome; Meckel-Gruber syndrome; Nephronophthisis. Last evaluated: 2023-11-11. Review status: criteria provided, single submitter. Criteria: Invitae Variant Classification Sherloc (09022015). Collection method: clinical testing. Allele origin: germline.
Comment: This sequence change affects a donor splice site in intron 8 of the CEP290 gene. It is expected to disrupt RNA splicing. Variants that disrupt the donor or acceptor splice site typically lead to a loss of protein function (PMID: 16199547), and loss-of-function variants in CEP290 are known to be pathogenic (PMID: 16909394, 17345604, 20690115). This variant is not present in population databases (gnomAD no frequency). This variant has not been reported in the literature in individuals affected with CEP290-related conditions. Algorithms developed to predict the effect of sequence changes on RNA splicing suggest that this variant may disrupt the consensus splice site. In summary, the currently available evidence indicates that the variant is pathogenic, but additional data are needed to prove that conclusively. Therefore, this variant has been classified as Likely Pathogenic.

PreventionGenetics, part of Exact Sciences
Classification: Likely pathogenic for CEP290-related condition. Last evaluated: 2024-06-24. Review status: no assertion criteria provided. Collection method: clinical testing. Allele origin: germline. Not counted in ClinVar's aggregate classification.
Comment: The CEP290 c.516+1G>A variant is predicted to disrupt the GT donor site and interfere with normal splicing. To our knowledge, this variant has not been reported in the literature or in a large population database, indicating this variant is rare. Variants that disrupt the consensus splice donor site in CEP290 are expected to be pathogenic. This variant is interpreted as likely pathogenic.

Literature cited by the submitters: PubMed 16199547 (cited by Labcorp Genetics (formerly Invitae), Labcorp); PubMed 16909394 (cited by Labcorp Genetics (formerly Invitae), Labcorp); PubMed 17345604 (cited by Labcorp Genetics (formerly Invitae), Labcorp); PubMed 20690115 (cited by Labcorp Genetics (formerly Invitae), Labcorp).